The following is an entry in ClinVar:

NM_001369.3(DNAH5):c.2004G>C (p.Lys668Asn)

Gene: DNAH5 (dynein axonemal heavy chain 5; minus strand). Cytogenetic location: 5p15.2.
Variant type: single nucleotide variant.
Coding change: c.2004G>C on transcript NM_001369.3 (MANE Select); coding-DNA position 2004, G replaced by C.
Protein change: p.Lys668Asn; replaces lysine 668 with asparagine.
Molecular consequence: missense variant.
Genome position (GRCh38, 1-based): chr5:13,901,300, C>G on the plus strand (G>C on the coding strand, the complement: DNAH5 is on the minus strand). VCF-style: chr5-13901300-C-G. GRCh37 (hg19) VCF-style: chr5-13901409-C-G.
Other names: short protein forms K668N.
Identifiers: ClinVar variation 645195 (VCV000645195.10), dbSNP rs1226480889, ClinGen allele CA359204989.

ClinVar aggregate classification (germline): Uncertain significance. Review status: criteria provided, single submitter (1 of 4 stars). 2 submissions from 2 submitters: Uncertain significance (1). 1 of the submissions does not count toward it. Last evaluated 2021-09-01.

Conditions:
Primary ciliary dyskinesia. Also called: Ciliary dyskinesia. Identifiers: Orphanet 244, MedGen C0008780, MONDO:0016575, HP:0012265.

Submissions (2):

Labcorp Genetics (formerly Invitae), Labcorp
Classification: Uncertain significance for Primary ciliary dyskinesia. Last evaluated: 2021-09-01. Review status: criteria provided, single submitter. Criteria: Invitae Variant Classification Sherloc (09022015). Collection method: clinical testing. Allele origin: germline.
Comment: This sequence change replaces lysine with asparagine at codon 668 of the DNAH5 protein (p.Lys668Asn). The lysine residue is moderately conserved and there is a moderate physicochemical difference between lysine and asparagine. This variant is not present in population databases (ExAC no frequency). This variant has not been reported in the literature in individuals affected with DNAH5-related conditions. Algorithms developed to predict the effect of missense changes on protein structure and function (SIFT, PolyPhen-2, Align-GVGD) all suggest that this variant is likely to be tolerated. In summary, the available evidence is currently insufficient to determine the role of this variant in disease. Therefore, it has been classified as a Variant of Uncertain Significance.

Natera, Inc.
Classification: Uncertain significance for Primary ciliary dyskinesia. Last evaluated: 2021-01-12. Review status: no assertion criteria provided. Collection method: clinical testing. Allele origin: germline. Not counted in ClinVar's aggregate classification.